The following is an entry in ClinVar:

ClinVar aggregate classification (germline): Uncertain significance (1 of 4 stars; one submission).

Conditions:
Hypertrophic cardiomyopathy. Also called: HYPERTROPHIC MYOCARDIOPATHY. Identifiers: Orphanet 217569, MedGen C0007194, MeSH D002312, MONDO:0005045, HP:0001639.

Submission:

Labcorp Genetics (formerly Invitae), Labcorp
Classification: Uncertain significance for Hypertrophic cardiomyopathy. Last evaluated: 2025-01-01. Review status: criteria provided, single submitter. Criteria: Invitae Variant Classification Sherloc (09022015). Collection method: clinical testing. Allele origin: germline.
Comment: This sequence change creates a premature translational stop signal (p.Ile1468Asnfs*24) in the MYOM1 gene. It is expected to result in an absent or disrupted protein product. However, the current clinical and genetic evidence is not sufficient to establish whether loss-of-function variants in MYOM1 cause disease. This variant is not present in population databases (gnomAD no frequency). This variant has not been reported in the literature in individuals affected with MYOM1-related conditions. In summary, the available evidence is currently insufficient to determine the role of this variant in disease. Therefore, it has been classified as a Variant of Uncertain Significance.

NM_003803.4(MYOM1):c.4402dup (p.Ile1468fs)

Gene: MYOM1 (myomesin 1; minus strand). Cytogenetic location: 18p11.31.
Variant type: Duplication.
Coding change: c.4402dup on transcript NM_003803.4 (MANE Select); coding-DNA position 4402, one base duplicated (A; older notation c.4402dupA).
Protein change: p.Ile1468fs; shifts the reading frame from isoleucine 1468.
Molecular consequence: frameshift variant.
Genome position (GRCh38, 1-based): chr18:3,083,871, T duplicated on the plus strand (A on the coding strand, the reverse complement: MYOM1 is on the minus strand); the first of 4 consecutive T bases (chr18:3,083,871-3,083,874); duplicating any one gives the same sequence. VCF-style (leftmost placement, unchanged base first): chr18-3083870-A-AT. GRCh37 (hg19) VCF-style: chr18-3083868-A-AT.
Other names: c.4114dup, p.Ile1372fs (NM_019856.2); short protein forms I1468fs, I1372fs.
Identifiers: ClinVar variation 3728396 (VCV003728396.2).